The following is an entry in ClinVar:

NM_000548.5(TSC2):c.1116C>T (p.Leu372=)

Gene: TSC2 (TSC complex subunit 2; plus strand). Cytogenetic location: 16p13.3.
Variant type: single nucleotide variant.
Coding change: c.1116C>T on transcript NM_000548.5 (MANE Select); coding-DNA position 1116, C replaced by T.
Protein change: p.Leu372=; no amino-acid change (leucine 372 retained).
Molecular consequence: synonymous variant.
Genome position (GRCh38, 1-based): chr16:2,060,810, C>T. VCF-style: chr16-2060810-C-T. GRCh37 (hg19) VCF-style: chr16-2110811-C-T.
Other names: p.L372L:CTC>CTT; c.1116C>T, p.Leu372= (NM_001077183.3, NM_001114382.3, NM_001363528.2 and 3 more transcripts); c.1005C>T, p.Leu335= (NM_001318827.2); c.969C>T, p.Leu323= (NM_001318829.2); c.516C>T, p.Leu172= (NM_001318831.2); c.1149C>T, p.Leu383= (NM_001318832.2).
Identifiers: ClinVar variation 137735 (VCV000137735.18), dbSNP rs587780973, ClinGen allele CA013818.

ClinVar aggregate classification (germline): Benign/Likely benign. Review status: criteria provided, multiple submitters, no conflicts (2 of 4 stars). 6 submissions from 6 submitters: Benign (4); Likely benign (2). Last evaluated 2026-02-02.

Conditions:
Hereditary cancer-predisposing syndrome. Also called: Neoplastic Syndromes, Hereditary; Hereditary Cancer Syndrome; Hereditary neoplastic syndrome; Tumor predisposition. Identifiers: Orphanet 140162, MedGen C0027672, MeSH D009386, MONDO:0015356.
Tuberous sclerosis syndrome (TSC). Also called: Tuberous Sclerosis Complex; Tuberous sclerosis. Identifiers: Orphanet 805, MedGen C0041341, MONDO:0001734.
Tuberous sclerosis 2 (TSC2). Identifiers: Orphanet 805, MedGen C1860707, MONDO:0013199, OMIM 613254.

Allele frequency attached by ClinVar (database versions not stated): gnomAD exomes below 0.00001 and 0.00001; gnomAD 0.00001; TOPMed 0.00003.
gnomAD v4.1: 5 of 1,613,370 alleles (0.00031%); highest among the groups gnomAD compares: African/African-American, 0.004%; no homozygotes.

Submissions (6):

Labcorp Genetics (formerly Invitae), Labcorp
Classification: Benign for Tuberous sclerosis 2. Last evaluated: 2026-02-02. Review status: criteria provided, single submitter. Criteria: Invitae Variant Classification Sherloc (09022015). Collection method: clinical testing. Allele origin: germline.

Myriad Genetics, Inc.
Classification: Benign for Tuberous sclerosis 2. Last evaluated: 2025-05-13. Review status: criteria provided, single submitter. Criteria: Myriad Autosomal Dominant, Autosomal Recessive and X-Linked Classification Criteria (2023). Collection method: clinical testing. Allele origin: unknown.
Comment: This variant is considered benign. This variant is a silent/synonymous amino acid change and it is not expected to impact splicing.

All of Us Research Program, National Institutes of Health
Classification: Likely benign for Tuberous sclerosis syndrome. Last evaluated: 2023-12-01. Review status: criteria provided, single submitter. Criteria: ACMG Guidelines, 2015. Collection method: clinical testing. Allele origin: germline. Inheritance: Autosomal dominant inheritance. Observed: 3 variant alleles, 3 heterozygotes.
Comment: This study involves interpretation of variants in research participants for the purpose of population health screening. Participant phenotype was not available at the time of variant classification. Additional details can be found in publication PMID: 35346344, PMCID: PMC8962531

Genome-Nilou Lab
Classification: Benign for Tuberous sclerosis 2. Last evaluated: 2021-11-07. Review status: criteria provided, single submitter. Criteria: ACMG Guidelines, 2015. Collection method: clinical testing. Allele origin: germline. Affected: no.

Ambry Genetics
Classification: Likely benign for Hereditary cancer-predisposing syndrome. Last evaluated: 2020-09-18. Review status: criteria provided, single submitter. Criteria: Ambry Variant Classification Scheme 2023. Collection method: clinical testing. Allele origin: germline.

GeneDx
Classification: Benign. Last evaluated: 2013-09-30. Review status: criteria provided, single submitter. Criteria: GeneDx Variant Classification (06012015). Collection method: clinical testing. Allele origin: germline. Affected: yes.
Comment: This variant is considered likely benign or benign based on one or more of the following criteria: it is a conservative change, it occurs at a poorly conserved position in the protein, it is predicted to be benign by multiple in silico algorithms, and/or has population frequency not consistent with disease.